The following is an entry in ClinVar:

ClinVar aggregate classification (germline): Likely pathogenic (1 of 4 stars; one submission).

gnomAD v4.1: 2 of 1,612,596 alleles (0.00012%); highest among the groups gnomAD compares: Non-Finnish European, 0.00017%; no homozygotes.

Submission:

Labcorp Genetics (formerly Invitae), Labcorp
Classification: Likely pathogenic. Last evaluated: 2025-04-23. Review status: criteria provided, single submitter. Criteria: Invitae Variant Classification Sherloc (09022015). Collection method: clinical testing. Allele origin: germline.
Comment: This sequence change affects a donor splice site in intron 1 of the IGF1 gene. It is expected to disrupt RNA splicing. Variants that disrupt the donor or acceptor splice site typically lead to a loss of protein function (PMID: 16199547), and loss-of-function variants in IGF1 are known to be pathogenic (PMID: 8857020, 31230720). This variant is not present in population databases (gnomAD no frequency). This variant has not been reported in the literature in individuals affected with IGF1-related conditions. Algorithms developed to predict the effect of sequence changes on RNA splicing suggest that this variant may disrupt the consensus splice site. In summary, the currently available evidence indicates that the variant is pathogenic, but additional data are needed to prove that conclusively. Therefore, this variant has been classified as Likely Pathogenic.

Literature cited by the submitters: PubMed 16199547; PubMed 8857020; PubMed 31230720.

NM_000618.5(IGF1):c.63+2T>A

Genes: IGF1 (insulin like growth factor 1; minus strand), LINC02456 (long intergenic non-protein coding RNA 2456; plus strand). Cytogenetic location: 12q23.2.
Variant type: single nucleotide variant.
Coding change: c.63+2T>A on transcript NM_000618.5 (MANE Select); the canonical splice donor site of the intron after coding-DNA position 63, T replaced by A.
Molecular consequence: splice donor variant.
Genome position (GRCh38, 1-based): chr12:102,480,317, A>T on the plus strand (T>A on the coding strand, the complement: IGF1 is on the minus strand). VCF-style: chr12-102480317-A-T. GRCh37 (hg19) VCF-style: chr12-102874095-A-T.
Other names: c.63+2T>A (NM_001414007.1, NM_001111283.3, NM_001414005.1 and 1 more transcripts).
Identifiers: ClinVar variation 4717830 (VCV004717830.1).
Genomic context (GRCh38, chr12:102,480,317, plus strand): 5'-AGCAAACAGTACACAATTTAAATAGAATTCCCCAATGACTTCAAAGAGTAAGAAATATTT[A>T]CCTTCAAGAAATCACAAAAGCAGCACTTAAATAATTGGGTTGGAAGACTGCTGATTTTTC-3'